The following is an entry in ClinVar:

ClinVar aggregate classification (germline): Likely pathogenic (1 of 4 stars; one submission).

Conditions:
ROBO1-related disorder. Also called: ROBO1-related condition.

Allele frequency attached by ClinVar (database versions not stated): TOPMed below 0.00001.

Submission:

PreventionGenetics, part of Exact Sciences
Classification: Likely pathogenic for ROBO1-related condition. Last evaluated: 2023-06-14. Review status: criteria provided, single submitter. Criteria: ACMG Guidelines, 2015. Collection method: clinical testing. Allele origin: germline.
Comment: The ROBO1 c.2168G>A variant is predicted to result in premature protein termination (p.Trp723*). To our knowledge, this variant has not been reported in the literature or in a large population database, indicating this variant is rare. Nonsense variants in ROBO1 are expected to be pathogenic. This variant is interpreted as likely pathogenic.

NM_002941.4(ROBO1):c.2168G>A (p.Trp723Ter)

Gene: ROBO1 (roundabout guidance receptor 1; minus strand). Cytogenetic location: 3p12.3.
Variant type: single nucleotide variant.
Coding change: c.2168G>A on transcript NM_002941.4 (MANE Select); coding-DNA position 2168, G replaced by A.
Protein change: p.Trp723Ter; replaces tryptophan 723 with a stop codon.
Molecular consequence: nonsense.
Genome position (GRCh38, 1-based): chr3:78,661,182, C>T on the plus strand (G>A on the coding strand, the complement: ROBO1 is on the minus strand). VCF-style: chr3-78661182-C-T. GRCh37 (hg19) VCF-style: chr3-78710332-C-T.
Other names: c.2060G>A, p.Trp687Ter (NM_001145844.1, NM_001145845.2, NM_133631.4); short protein forms W687*, W723*.
Identifiers: ClinVar variation 2632617 (VCV002632617.1), dbSNP rs772695815, ClinGen allele CA353664981.